The following is an entry in ClinVar:

NM_002519.3(NPAT):c.617T>C (p.Met206Thr)

Gene: NPAT (nuclear protein, coactivator of histone transcription; minus strand). Cytogenetic location: 11q22.3.
Variant type: single nucleotide variant.
Coding change: c.617T>C on transcript NM_002519.3 (MANE Select); coding-DNA position 617, T replaced by C.
Protein change: p.Met206Thr; replaces methionine 206 with threonine.
Molecular consequence: missense variant.
Genome position (GRCh38, 1-based): chr11:108,188,119, A>G on the plus strand (T>C on the coding strand, the complement: NPAT is on the minus strand). VCF-style: chr11-108188119-A-G. GRCh37 (hg19) VCF-style: chr11-108058846-A-G.
Other names: c.617T>C, p.Met206Thr (NM_001321307.1); short protein forms M206T.
Identifiers: ClinVar variation 1752064 (VCV001752064.2), dbSNP rs2496743143, ClinGen allele CA382522987.

ClinVar aggregate classification (germline): Uncertain significance (1 of 4 stars; one submission).

Submission:

Ambry Genetics
Classification: Uncertain significance. Last evaluated: 2022-04-21. Review status: criteria provided, single submitter. Criteria: Ambry Variant Classification Scheme 2023. Collection method: clinical testing. Allele origin: germline.
Comment: The p.M206T variant (also known as c.617T>C), located in coding exon 7 of the NPAT gene, results from a T to C substitution at nucleotide position 617. The methionine at codon 206 is replaced by threonine, an amino acid with similar properties. This amino acid position is conserved. In addition, this alteration is predicted to be tolerated by in silico analysis. Since supporting evidence is limited at this time, the clinical significance of this alteration remains unclear.